The following is an entry in ClinVar:

ClinVar aggregate classification (germline): Benign. Review status: criteria provided, multiple submitters, no conflicts (2 of 4 stars). 2 submissions from 2 submitters: Benign (2). Last evaluated 2018-06-14.

Allele frequency attached by ClinVar (database versions not stated): gnomAD exomes 0.18382; TOPMed 0.18775; gnomAD 0.19429 and 0.19739; 1000 Genomes Project 30x 0.22533; 1000 Genomes Project 0.22963.
gnomAD v4.1: 286,625 of 1,543,114 alleles (19%); highest among the groups gnomAD compares: East Asian, 36%; 28,338 homozygotes.

Submissions (2):

GeneDx
Classification: Benign. Last evaluated: 2018-06-14. Review status: criteria provided, single submitter. Criteria: GeneDx Variant Classification (06012015). Collection method: clinical testing. Allele origin: germline. Affected: yes.
Comment: This variant is considered likely benign or benign based on one or more of the following criteria: it is a conservative change, it occurs at a poorly conserved position in the protein, it is predicted to be benign by multiple in silico algorithms, and/or has population frequency not consistent with disease.

Breakthrough Genomics
Classification: Benign. Review status: criteria provided, single submitter. Criteria: ACMG Guidelines, 2015. Collection method: not provided. Allele origin: germline. Inheritance: Autosomal recessive inheritance. Affected: yes.

NM_001303.4(COX10):c.929-86G>A

Gene: COX10 (cytochrome c oxidase assembly factor heme A:farnesyltransferase COX10; plus strand). Cytogenetic location: 17p12.
Variant type: single nucleotide variant.
Coding change: c.929-86G>A on transcript NM_001303.4 (MANE Select); 86 bases into the intron before coding-DNA position 929, G replaced by A.
Molecular consequence: intron variant.
Genome position (GRCh38, 1-based): chr17:14,206,724, G>A. VCF-style: chr17-14206724-G-A. GRCh37 (hg19) VCF-style: chr17-14110041-G-A.
Identifiers: ClinVar variation 676111 (VCV000676111.2), dbSNP rs4792446, ClinGen allele CA14396821.